The following is an entry in ClinVar:

ClinVar aggregate classification (germline): Likely benign (0 of 4 stars; one submission).

Conditions:
MED12L-related disorder. Also called: MED12L-related condition.

gnomAD v4.1: 14 of 1,597,292 alleles (0.00088%); highest among the groups gnomAD compares: East Asian, 0.0023%; no homozygotes.

Submission:

PreventionGenetics, part of Exact Sciences
Classification: Likely benign for MED12L-related condition. Last evaluated: 2020-05-07. Review status: no assertion criteria provided. Collection method: clinical testing. Allele origin: germline.
Comment: This variant is classified as likely benign based on ACMG/AMP sequence variant interpretation guidelines (Richards et al. 2015 PMID: 25741868, with internal and published modifications).

NM_001393769.1(MED12L):c.4323C>T (p.Ser1441=)

Genes: MED12L (mediator complex subunit 12L; plus strand), P2RY12 (purinergic receptor P2Y12; minus strand). Cytogenetic location: 3q25.1.
Variant type: single nucleotide variant.
Coding change: c.4323C>T on transcript NM_001393769.1 (MANE Select); coding-DNA position 4323, C replaced by T.
Protein change: p.Ser1441=; no amino-acid change (serine 1441 retained).
Molecular consequence: synonymous variant. On other transcripts: intron variant (1).
Genome position (GRCh38, 1-based): chr3:151,378,018, C>T. VCF-style: chr3-151378018-C-T. GRCh37 (hg19) VCF-style: chr3-151095806-C-T.
Other names: c.4218C>T, p.Ser1406= (NM_053002.6); c.-180+6674G>A (NM_022788.5).
Identifiers: ClinVar variation 3052415 (VCV003052415.2), dbSNP rs541572659, ClinGen allele CA436277620.
Genomic context (GRCh38, chr3:151,378,018, plus strand): 5'-TGAGAGCAGGGGAAAGGATGCTTTCTCCGGTGTAACACCTGTTTCTGATTTTAGTTCCTC[C>T]GAACGCAGGGGTGTATGGTTGGTGGCCCCCCTCATCGCCAGGTTGCCAACTTCTGTGCAA-3'
Protein context (NP_001380698.1, residues 1431-1451): QNGIKTFLSS[Ser1441=]ERRGVWLVAP